The following is an entry in ClinVar:

NC_000001.11:g.(?_45329306)_(45333334_?)del

Gene: MUTYH (mutY DNA glycosylase; minus strand). Cytogenetic location: 1p34.1.
Variant type: Deletion.
Identifiers: ClinVar variation 832371 (VCV000832371.1).

ClinVar aggregate classification (germline): Pathogenic (1 of 4 stars; one submission).

Conditions:
Familial adenomatous polyposis 2. Also called: FAP type 2; MUTYH Polyposis; COLORECTAL ADENOMATOUS POLYPOSIS, AUTOSOMAL RECESSIVE; ADENOMAS, MULTIPLE COLORECTAL, AUTOSOMAL RECESSIVE; MUTYH-associated polyposis; MUTYH-related attenuated familial adenomatous polyposis. Identifiers: Orphanet 220460, Orphanet 247798, MedGen C3272841, MONDO:0012041, OMIM 608456.

Submission:

Labcorp Genetics (formerly Invitae), Labcorp
Classification: Pathogenic for MYH-associated polyposis. Last evaluated: 2019-12-04. Review status: criteria provided, single submitter. Criteria: Invitae Variant Classification Sherloc (09022015). Collection method: clinical testing. Allele origin: germline.
Comment: This variant is a gross deletion of the genomic region encompassing exons 4-16 of the MUTYH gene. The 5' boundary is likely confined to intron 3. The 3' end of this event is unknown as it extends through the termination codon beyond the assayed region for this gene and may encompass additional genes. While this deletion is not anticipated to result in nonsense mediated decay, it is expected to create a truncated protein product or disrupt mRNA translation. Similar deletions of exons 4-16 have been reported in the homozygous and compound heterozygous state in individuals affected with polyposis and colorectal cancer (PMID: 21962078, 23561487, 24953332). This variant disrupts the p.Tyr179 amino acid residue in MUTYH. Other variant(s) that disrupt this residue have been determined to be pathogenic (PMID: 12606733, 16557584, 17489848, 11818965, 18534194, 19953527). This suggests that this residue is clinically significant, and that variants that disrupt this residue are likely to be disease-causing. For these reasons, this variant has been classified as Pathogenic.

Literature cited by the submitters: PubMed 19953527; PubMed 21962078; PubMed 16557584; PubMed 18534194; PubMed 11818965; PubMed 12606733; PubMed 24953332; PubMed 23561487; PubMed 17489848.